The following is an entry in ClinVar:

NM_001375524.1(TRRAP):c.5808G>A (p.Pro1936=)

Gene: TRRAP (transformation/transcription domain associated protein; plus strand). Cytogenetic location: 7q22.1.
Variant type: single nucleotide variant.
Coding change: c.5808G>A on transcript NM_001375524.1 (MANE Select); coding-DNA position 5808, G replaced by A.
Protein change: p.Pro1936=; no amino-acid change (proline 1936 retained).
Molecular consequence: synonymous variant.
Genome position (GRCh38, 1-based): chr7:98,955,175, G>A. VCF-style: chr7-98955175-G-A. GRCh37 (hg19) VCF-style: chr7-98552798-G-A.
Other names: c.5787G>A, p.Pro1929= (NM_001244580.2); c.5733G>A, p.Pro1911= (NM_003496.4).
Identifiers: ClinVar variation 3352430 (VCV003352430.3).

ClinVar aggregate classification (germline): Likely benign. Review status: criteria provided, single submitter (1 of 4 stars). 2 submissions from 2 submitters: Likely benign (1). 1 of the submissions does not count toward it. Last evaluated 2024-05-27.

Conditions:
TRRAP-related disorder. Also called: TRRAP-related condition.

gnomAD v4.1: 33 of 1,614,078 alleles (0.002%); highest among the groups gnomAD compares: South Asian, 0.018%; no homozygotes.

Submissions (2):

Labcorp Genetics (formerly Invitae), Labcorp
Classification: Likely benign. Last evaluated: 2024-05-27. Review status: criteria provided, single submitter. Criteria: Invitae Variant Classification Sherloc (09022015). Collection method: clinical testing. Allele origin: germline.

PreventionGenetics, part of Exact Sciences
Classification: Likely benign for TRRAP-related condition. Last evaluated: 2024-08-06. Review status: no assertion criteria provided. Collection method: clinical testing. Allele origin: germline. Not counted in ClinVar's aggregate classification.
Comment: This variant is classified as likely benign based on ACMG/AMP sequence variant interpretation guidelines (Richards et al. 2015 PMID: 25741868, with internal and published modifications).